The following is an entry in ClinVar:

ClinVar aggregate classification (germline): Uncertain significance. Review status: criteria provided, multiple submitters, no conflicts (2 of 4 stars). 2 submissions from 2 submitters: Uncertain significance (2). Last evaluated 2026-02-16.

Conditions:
Hereditary cancer-predisposing syndrome. Also called: Tumor predisposition; Neoplastic Syndromes, Hereditary; Hereditary Cancer Syndrome; Hereditary neoplastic syndrome. Identifiers: Orphanet 140162, MedGen C0027672, MeSH D009386, MONDO:0015356.
Fanconi anemia complementation group J. Also called: BRIP1-Related Fanconi Anemia. Identifiers: Orphanet 84, MedGen C1836860, MONDO:0012187, OMIM 609054.
Familial cancer of breast. Also called: BREAST CANCER, FAMILIAL; Hereditary breast cancer; hereditary breast carcinoma. Identifiers: Orphanet 227535, MedGen C0346153, MONDO:0016419, OMIM 114480. Disease mechanism: loss of function.

Allele frequency attached by ClinVar (database versions not stated): TOPMed below 0.00001.

Submissions (2):

Ambry Genetics
Classification: Uncertain significance for Hereditary cancer-predisposing syndrome. Last evaluated: 2026-02-16. Review status: criteria provided, single submitter. Criteria: Ambry Variant Classification Scheme 2023. Collection method: clinical testing. Allele origin: germline.
Comment: The p.S59C variant (also known as c.176C>G), located in coding exon 2 of the BRIP1 gene, results from a C to G substitution at nucleotide position 176. The serine at codon 59 is replaced by cysteine, an amino acid with dissimilar properties. This amino acid position is conserved. In addition, this alteration is predicted to be deleterious by in silico analysis. Based on the available evidence, the clinical significance of this variant remains unclear.

Labcorp Genetics (formerly Invitae), Labcorp
Classification: Uncertain significance for Familial cancer of breast; Fanconi anemia complementation group J. Last evaluated: 2023-09-03. Review status: criteria provided, single submitter. Criteria: Invitae Variant Classification Sherloc (09022015). Collection method: clinical testing. Allele origin: germline.
Comment: This sequence change replaces serine, which is neutral and polar, with cysteine, which is neutral and slightly polar, at codon 59 of the BRIP1 protein (p.Ser59Cys). This variant is not present in population databases (gnomAD no frequency). This variant has not been reported in the literature in individuals affected with BRIP1-related conditions. Advanced modeling of protein sequence and biophysical properties (such as structural, functional, and spatial information, amino acid conservation, physicochemical variation, residue mobility, and thermodynamic stability) performed at Invitae indicates that this missense variant is expected to disrupt BRIP1 protein function. In summary, the available evidence is currently insufficient to determine the role of this variant in disease. Therefore, it has been classified as a Variant of Uncertain Significance.

NM_032043.3(BRIP1):c.176C>G (p.Ser59Cys)

Gene: BRIP1 (BRCA1 interacting DNA helicase 1; minus strand). Cytogenetic location: 17q23.2.
Variant type: single nucleotide variant.
Coding change: c.176C>G on transcript NM_032043.3 (MANE Select); coding-DNA position 176, C replaced by G.
Protein change: p.Ser59Cys; replaces serine 59 with cysteine.
Molecular consequence: missense variant.
Genome position (GRCh38, 1-based): chr17:61,859,825, G>C on the plus strand (C>G on the coding strand, the complement: BRIP1 is on the minus strand). VCF-style: chr17-61859825-G-C. GRCh37 (hg19) VCF-style: chr17-59937186-G-C.
Other names: short protein forms S59C.
Identifiers: ClinVar variation 2947985 (VCV002947985.4), dbSNP rs2078949491, ClinGen allele CA400485706.
Genomic context (GRCh38, chr17:61,859,825, plus strand): 5'-AGTAACCTGAAGATATCAAGCAACTACTTACCACTAAGAGATTGTTGCCATGCTAAAGCA[G>C]AACAAAGTAAGGCTAAGCTTTTTCCACTTCCTGTGGGACTCTCCAACAAACAATGTTGCT-3'
Protein context (NP_114432.2, residues 49-69): GSGKSLALLC[Ser59Cys]ALAWQQSLSG